The following is an entry in ClinVar:

NM_000091.5(COL4A3):c.829-2A>G

Genes: COL4A3 (collagen type IV alpha 3 chain; plus strand), MFF-DT (MFF divergent transcript; minus strand). Cytogenetic location: 2q36.3.
Variant type: single nucleotide variant.
Coding change: c.829-2A>G on transcript NM_000091.5 (MANE Select); the canonical splice acceptor site of the intron before coding-DNA position 829, A replaced by G.
Molecular consequence: splice acceptor variant.
Genome position (GRCh38, 1-based): chr2:227,254,654, A>G. VCF-style: chr2-227254654-A-G. GRCh37 (hg19) VCF-style: chr2-228119370-A-G.
Identifiers: ClinVar variation 2823561 (VCV002823561.5), dbSNP rs1553753119, ClinGen allele CA350866112.

ClinVar aggregate classification (germline): Pathogenic/Likely pathogenic. Review status: criteria provided, multiple submitters, no conflicts (2 of 4 stars). 2 submissions from 2 submitters: Pathogenic (1); Likely pathogenic (1). Last evaluated 2025-02-07.

Conditions:
Alport syndrome 3b, autosomal recessive. Identifiers: MedGen C5882699, MONDO:0957811, OMIM 620536.

Allele frequency attached by ClinVar (database versions not stated): gnomAD exomes below 0.00001.

Submissions (2):

3billion
Classification: Pathogenic for Alport syndrome 3b, autosomal recessive. Last evaluated: 2025-02-07. Review status: criteria provided, single submitter. Criteria: ACMG Guidelines, 2015. Collection method: clinical testing. Allele origin: germline. Affected: yes.
Comment: The variant is observed at an extremely low frequency in the gnomAD v4.1.0 dataset (total allele frequency: <0.001%). Predicted Consequence/Location: Canonical splice site: predicted to alter splicing and result in a loss or disruption of normal protein function. Multiple pathogenic loss-of-function variants are reported downstream of the variant. In silico tools predict the variant to alter splicing and produce an abnormal transcript [SpliceAI: 0.93 (spliceogenicity >=0.2, non-spliceogenicity <0.1)]. The variant has been reported to be associated with COL4A3-related disorder (ClinVar ID: VCV002823561 /3billion dataset). Therefore, this variant is classified as Pathogenic according to the recommendation of ACMG/AMP guideline.

Labcorp Genetics (formerly Invitae), Labcorp
Classification: Likely pathogenic. Last evaluated: 2023-10-04. Review status: criteria provided, single submitter. Criteria: Invitae Variant Classification Sherloc (09022015). Collection method: clinical testing. Allele origin: germline.
Comment: This sequence change affects an acceptor splice site in intron 14 of the COL4A3 gene. It is expected to disrupt RNA splicing. Variants that disrupt the donor or acceptor splice site typically lead to a loss of protein function (PMID: 16199547), and loss-of-function variants in COL4A3 are known to be pathogenic (PMID: 8956999, 24854265, 26809805, 27281700). This variant is not present in population databases (gnomAD no frequency). This variant has not been reported in the literature in individuals affected with COL4A3-related conditions. Algorithms developed to predict the effect of sequence changes on RNA splicing suggest that this variant may disrupt the consensus splice site. In summary, the currently available evidence indicates that the variant is pathogenic, but additional data are needed to prove that conclusively. Therefore, this variant has been classified as Likely Pathogenic.

Literature cited by the submitters: PubMed 16199547 (cited by Labcorp Genetics (formerly Invitae), Labcorp); PubMed 8956999 (cited by Labcorp Genetics (formerly Invitae), Labcorp); PubMed 24854265 (cited by Labcorp Genetics (formerly Invitae), Labcorp); PubMed 26809805 (cited by Labcorp Genetics (formerly Invitae), Labcorp); PubMed 27281700 (cited by Labcorp Genetics (formerly Invitae), Labcorp).